The following is an entry in ClinVar:

ClinVar aggregate classification (germline): Uncertain significance (1 of 4 stars; one submission).

Conditions:
ANKRD11-related disorder. Also called: ANKRD11-related condition.

gnomAD v4.1: 2 of 1,601,198 alleles (0.00012%); highest among the groups gnomAD compares: Non-Finnish European, 0.00017%; no homozygotes.

Submission:

PreventionGenetics, part of Exact Sciences
Classification: Uncertain significance for ANKRD11-related condition. Last evaluated: 2024-12-19. Review status: criteria provided, single submitter. Criteria: ACMG Guidelines, 2015. Collection method: clinical testing. Allele origin: germline.
Comment: The ANKRD11 c.5714G>A variant is predicted to result in the amino acid substitution p.Gly1905Glu. To our knowledge, this variant has not been reported in the literature or in a large population database (gnomAD), indicating this variant is rare. At this time, the clinical significance of this variant is uncertain due to the absence of conclusive functional and genetic evidence.

NM_013275.6(ANKRD11):c.5714G>A (p.Gly1905Glu)

Gene: ANKRD11 (ankyrin repeat domain 11; minus strand). Cytogenetic location: 16q24.3.
Variant type: single nucleotide variant.
Coding change: c.5714G>A on transcript NM_013275.6 (MANE Select); coding-DNA position 5714, G replaced by A.
Protein change: p.Gly1905Glu; replaces glycine 1905 with glutamic acid.
Molecular consequence: missense variant.
Genome position (GRCh38, 1-based): chr16:89,280,828, C>T on the plus strand (G>A on the coding strand, the complement: ANKRD11 is on the minus strand). VCF-style: chr16-89280828-C-T. GRCh37 (hg19) VCF-style: chr16-89347236-C-T.
Other names: c.5714G>A, p.Gly1905Glu (NM_001256182.2, NM_001256183.2); short protein forms G1905E.
Identifiers: ClinVar variation 4998916 (VCV004998916.1).